The following is an entry in ClinVar:

ClinVar aggregate classification (germline): Benign (0 of 4 stars; one submission).

Conditions:
CD6-related disorder. Also called: CD6-related condition.

Allele frequency attached by ClinVar (database versions not stated): 1000 Genomes Project 0.00040; 1000 Genomes Project 30x 0.00047; ESP Exome Variant Server 0.00192.
gnomAD v4.1: 587 of 1,608,282 alleles (0.036%); highest among the groups gnomAD compares: African/African-American, 0.71%; 2 homozygotes.

Submission:

PreventionGenetics, part of Exact Sciences
Classification: Benign for CD6-related condition. Last evaluated: 2019-03-26. Review status: no assertion criteria provided. Collection method: clinical testing. Allele origin: germline.
Comment: This variant is classified as benign based on ACMG/AMP sequence variant interpretation guidelines (Richards et al. 2015 PMID: 25741868, with internal and published modifications).

NM_006725.5(CD6):c.1875C>G (p.Ser625=)

Gene: CD6 (CD6 molecule; plus strand). Cytogenetic location: 11q12.2.
Variant type: single nucleotide variant.
Coding change: c.1875C>G on transcript NM_006725.5 (MANE Select); coding-DNA position 1875, C replaced by G.
Protein change: p.Ser625=; no amino-acid change (serine 625 retained).
Molecular consequence: synonymous variant. On other transcripts: intron variant (2).
Genome position (GRCh38, 1-based): chr11:61,018,326, C>G. VCF-style: chr11-61018326-C-G. GRCh37 (hg19) VCF-style: chr11-60785798-C-G.
Other names: c.1714+313C>G (NM_001254751.2); c.1741+313C>G (NM_001254750.2).
Identifiers: ClinVar variation 3038860 (VCV003038860.2), dbSNP rs111507268, ClinGen allele CA6030356.